The following is an entry in ClinVar:

ClinVar aggregate classification (germline): Uncertain significance (1 of 4 stars; one submission).

Conditions:
Hereditary cancer-predisposing syndrome. Also called: Hereditary Cancer Syndrome; Hereditary neoplastic syndrome; Neoplastic Syndromes, Hereditary; Tumor predisposition. Identifiers: Orphanet 140162, MedGen C0027672, MeSH D009386, MONDO:0015356.

Submission:

Ambry Genetics
Classification: Uncertain significance for Hereditary cancer-predisposing syndrome. Last evaluated: 2022-02-28. Review status: criteria provided, single submitter. Criteria: Ambry Variant Classification Scheme 2023. Collection method: clinical testing. Allele origin: germline.
Comment: The p.E438A variant (also known as c.1313A>C), located in coding exon 13 of the POLE gene, results from an A to C substitution at nucleotide position 1313. The glutamic acid at codon 438 is replaced by alanine, an amino acid with dissimilar properties. This amino acid position is conserved. In addition, the in silico prediction for this alteration is inconclusive. Since supporting evidence is limited at this time, the clinical significance of this alteration remains unclear.

NM_006231.4(POLE):c.1313A>C (p.Glu438Ala)

Gene: POLE (DNA polymerase epsilon, catalytic subunit; minus strand). Cytogenetic location: 12q24.33.
Variant type: single nucleotide variant.
Coding change: c.1313A>C on transcript NM_006231.4 (MANE Select); coding-DNA position 1313, A replaced by C.
Protein change: p.Glu438Ala; replaces glutamic acid 438 with alanine.
Molecular consequence: missense variant.
Genome position (GRCh38, 1-based): chr12:132,673,621, T>G on the plus strand (A>C on the coding strand, the complement: POLE is on the minus strand). VCF-style: chr12-132673621-T-G. GRCh37 (hg19) VCF-style: chr12-133250207-T-G.
Other names: short protein forms E438A.
Identifiers: ClinVar variation 1769714 (VCV001769714.2), dbSNP rs2042981216, ClinGen allele CA387359333.